The following is an entry in ClinVar:

ClinVar aggregate classification (germline): Uncertain significance. Review status: criteria provided, multiple submitters, no conflicts (2 of 4 stars). 4 submissions from 4 submitters: Uncertain significance (4). Last evaluated 2026-03-24.

Conditions:
Hereditary cancer-predisposing syndrome. Also called: Tumor predisposition; Hereditary neoplastic syndrome; Neoplastic Syndromes, Hereditary; Hereditary Cancer Syndrome. Identifiers: Orphanet 140162, MedGen C0027672, MeSH D009386, MONDO:0015356.
Colorectal cancer. Also called: Malignant Colorectal Neoplasm; Colorectal cancer, somatic. Identifiers: MedGen C0346629, MONDO:0005575, OMIM 114500.
Oligodontia-cancer predisposition syndrome. Also called: TOOTH AGENESIS-COLORECTAL CANCER SYNDROME. Identifiers: Orphanet 300576, MedGen C1837750, MONDO:0012075, OMIM 608615. Disease mechanism: loss of function.

Allele frequency attached by ClinVar (database versions not stated): gnomAD 0.00003 and 0.00002; TOPMed 0.00003.
gnomAD v4.1: 12 of 1,612,378 alleles (0.00074%); highest among the groups gnomAD compares: African/African-American, 0.004%; no homozygotes.

Submissions (4):

Ambry Genetics
Classification: Uncertain significance for Hereditary cancer-predisposing syndrome. Last evaluated: 2026-03-24. Review status: criteria provided, single submitter. Criteria: Ambry Variant Classification Scheme 2023. Collection method: clinical testing. Allele origin: germline.
Comment: The p.T315M variant (also known as c.944C>T), located in coding exon 2 of the AXIN2 gene, results from a C to T substitution at nucleotide position 944. The threonine at codon 315 is replaced by methionine, an amino acid with similar properties. This amino acid position is conserved. In addition, this alteration is predicted to be deleterious by in silico analysis. Based on the available evidence, the clinical significance of this variant remains unclear.

Labcorp Genetics (formerly Invitae), Labcorp
Classification: Uncertain significance for Oligodontia-cancer predisposition syndrome. Last evaluated: 2025-11-05. Review status: criteria provided, single submitter. Criteria: Invitae Variant Classification Sherloc (09022015). Collection method: clinical testing. Allele origin: germline.
Comment: This sequence change replaces threonine, which is neutral and polar, with methionine, which is neutral and non-polar, at codon 315 of the AXIN2 protein (p.Thr315Met). The frequency data for this variant in the population databases is considered unreliable, as metrics indicate poor data quality at this position in the gnomAD database. This variant has not been reported in the literature in individuals affected with AXIN2-related conditions. ClinVar contains an entry for this variant (Variation ID: 464650). Invitae Evidence Modeling of protein sequence and biophysical properties (such as structural, functional, and spatial information, amino acid conservation, physicochemical variation, residue mobility, and thermodynamic stability) indicates that this missense variant is expected to disrupt AXIN2 protein function with a positive predictive value of 80%. In summary, the available evidence is currently insufficient to determine the role of this variant in disease. Therefore, it has been classified as a Variant of Uncertain Significance.

GeneDx
Classification: Uncertain significance. Last evaluated: 2024-07-17. Review status: criteria provided, single submitter. Criteria: GeneDx Variant Classification Process June 2021. Collection method: clinical testing. Allele origin: germline. Affected: yes.
Comment: Not observed at significant frequency in large population cohorts (gnomAD); In silico analysis supports that this missense variant has a deleterious effect on protein structure/function; Has not been previously published as pathogenic or benign to our knowledge

Baylor Genetics
Classification: Uncertain significance for Colorectal cancer. Last evaluated: 2024-03-29. Review status: criteria provided, single submitter. Criteria: ACMG Guidelines, 2015. Collection method: clinical testing. Allele origin: unknown.

NM_004655.4(AXIN2):c.944C>T (p.Thr315Met)

Gene: AXIN2 (axin 2; minus strand). Cytogenetic location: 17q24.1.
Variant type: single nucleotide variant.
Coding change: c.944C>T on transcript NM_004655.4 (MANE Select); coding-DNA position 944, C replaced by T.
Protein change: p.Thr315Met; replaces threonine 315 with methionine.
Molecular consequence: missense variant.
Genome position (GRCh38, 1-based): chr17:65,549,532, G>A on the plus strand (C>T on the coding strand, the complement: AXIN2 is on the minus strand). VCF-style: chr17-65549532-G-A. GRCh37 (hg19) VCF-style: chr17-63545650-G-A.
Other names: c.944C>T (LRG_296t1); c.944C>T, p.Thr315Met (NM_001363813.1); short protein forms T315M.
Identifiers: ClinVar variation 464650 (VCV000464650.16), dbSNP rs747647668, ClinGen allele CA8718937.